The following is an entry in ClinVar:

ClinVar aggregate classification (germline): Uncertain significance (1 of 4 stars; one submission).

gnomAD v4.1: 2 of 1,613,174 alleles (0.00012%); highest among the groups gnomAD compares: African/African-American, 0.0027%; no homozygotes.

Submission:

Ambry Genetics
Classification: Uncertain significance. Last evaluated: 2024-12-14. Review status: criteria provided, single submitter. Criteria: Ambry Variant Classification Scheme 2023. Collection method: clinical testing. Allele origin: germline.
Comment: The p.S75P variant (also known as c.223T>C), located in coding exon 3 of the RAD51B gene, results from a T to C substitution at nucleotide position 223. The serine at codon 75 is replaced by proline, an amino acid with similar properties. This amino acid position is conserved. In addition, this alteration is predicted to be tolerated by in silico analysis. Based on the available evidence, the clinical significance of this variant remains unclear.

NM_133510.4(RAD51B):c.223T>C (p.Ser75Pro)

Gene: RAD51B (RAD51 paralog B; plus strand). Cytogenetic location: 14q24.1.
Variant type: single nucleotide variant.
Coding change: c.223T>C on transcript NM_133510.4 (MANE Select); coding-DNA position 223, T replaced by C.
Protein change: p.Ser75Pro; replaces serine 75 with proline.
Molecular consequence: missense variant. On other transcripts: 5 prime UTR variant (1).
Genome position (GRCh38, 1-based): chr14:67,835,104, T>C. VCF-style: chr14-67835104-T-C. GRCh37 (hg19) VCF-style: chr14-68301821-T-C.
Other names: c.223T>C, p.Ser75Pro (NM_001321809.2, NM_001321810.2, NM_001321812.1 and 6 more transcripts); c.109T>C, p.Ser37Pro (NM_001321815.1); c.-233T>C (NM_001321817.2); short protein forms S37P, S75P.
Identifiers: ClinVar variation 3786373 (VCV003786373.1).
Genomic context (GRCh38, chr14:67,835,104, plus strand): 5'-GAGGTTGAAAAAAAACTTAATCATTTTCTTGTTTAGGCTTATGGGATAAAAGCACAAAGG[T>C]CTGCTGATTTCTCACCAGCATTCTTATCTACTACCCTTTCTGCTTTGGACGAAGCCCTGC-3'
Protein context (NP_598194.1, residues 65-85): QTAYGIKAQR[Ser75Pro]ADFSPAFLST